The following is an entry in ClinVar:

NM_004415.4(DSP):c.727C>A (p.Arg243Ser)

Gene: DSP (desmoplakin; plus strand). Cytogenetic location: 6p24.3.
Variant type: single nucleotide variant.
Coding change: c.727C>A on transcript NM_004415.4 (MANE Select); coding-DNA position 727, C replaced by A.
Protein change: p.Arg243Ser; replaces arginine 243 with serine.
Molecular consequence: missense variant.
Genome position (GRCh38, 1-based): chr6:7,563,736, C>A. VCF-style: chr6-7563736-C-A. GRCh37 (hg19) VCF-style: chr6-7563969-C-A.
Other names: c.727C>A, p.Arg243Ser (NM_001008844.3, NM_001319034.2, NM_001406591.1); short protein forms R243S.
Identifiers: ClinVar variation 3070630 (VCV003070630.3), dbSNP rs1191710190, ClinGen allele CA362673648.

ClinVar aggregate classification (germline): Uncertain significance. Review status: criteria provided, multiple submitters, no conflicts (2 of 4 stars). 3 submissions from 3 submitters: Uncertain significance (3). Last evaluated 2026-07-28.

Conditions:
Cardiomyopathy (CMYO). Also called: Cardiomyopathies. Identifiers: Orphanet 167848, MedGen C0878544, MONDO:0004994, HP:0001638. Inheritance: Various modes of inheritance.
Cardiovascular phenotype. Identifiers: MedGen CN230736.
Arrhythmogenic cardiomyopathy with wooly hair and keratoderma. Also called: PALMOPLANTAR KERATODERMA WITH LEFT VENTRICULAR CARDIOMYOPATHY AND WOOLLY HAIR; Carvajal syndrome; Dilated cardiomyopathy with woolly hair and keratoderma; Arrhythmogenic cardiomyopathy with woolly hair and keratoderma. Identifiers: Orphanet 65282, MedGen C1854063, MONDO:0011581, OMIM 605676.

gnomAD v4.1: 31 of 1,613,116 alleles (0.0019%); highest among the groups gnomAD compares: Non-Finnish European, 0.0026%; no homozygotes.

Submissions (3):

Ambry Genetics
Classification: Uncertain significance for Cardiovascular phenotype. Last evaluated: 2026-07-28. Review status: criteria provided, single submitter. Criteria: Ambry Variant Classification Scheme 2023. Collection method: clinical testing. Allele origin: germline.

Color Diagnostics, LLC DBA Color Health
Classification: Uncertain significance for Cardiomyopathy. Last evaluated: 2025-07-17. Review status: criteria provided, single submitter. Criteria: ACMG Guidelines, 2015. Collection method: clinical testing. Allele origin: germline.
Comment: This missense variant replaces arginine with serine at codon 243 of the DSP protein. Computational prediction is inconclusive regarding the impact of this variant on protein structure and function. To our knowledge, functional studies have not been reported for this variant. This variant has not been reported in individuals affected with DSP-related disorders in the literature. This variant has not been identified in the general population by the Genome Aggregation Database (gnomAD). The available evidence is insufficient to determine the role of this variant in disease conclusively. Therefore, this variant is classified as a Variant of Uncertain Significance.

All of Us Research Program, National Institutes of Health
Classification: Uncertain significance for Arrhythmogenic cardiomyopathy with wooly hair and keratoderma. Last evaluated: 2023-10-27. Review status: criteria provided, single submitter. Criteria: ACMG Guidelines, 2015. Collection method: clinical testing. Allele origin: germline. Inheritance: Autosomal dominant inheritance. Observed: 2 variant alleles, 2 heterozygotes.
Comment: This missense variant replaces arginine with serine at codon 243 of the DSP protein. Computational prediction is inconclusive regarding the impact of this variant on protein structure and function (internally defined REVEL score threshold 0.5 < inconclusive < 0.7, PMID: 27666373). To our knowledge, functional studies have not been reported for this variant. This variant has not been reported in individuals affected with DSP-related disorders in the literature. This variant has not been identified in the general population by the Genome Aggregation Database (gnomAD). The available evidence is insufficient to determine the role of this variant in disease conclusively. Therefore, this variant is classified as a Variant of Uncertain Significance.

This study involves interpretation of variants in research participants for the purpose of population health screening. Participant phenotype was not available at the time of variant classification. Additional details can be found in publication PMID: 35346344, PMCID: PMC8962531